The following is an entry in ClinVar:

ClinVar aggregate classification (germline): Uncertain significance. Review status: criteria provided, multiple submitters, no conflicts (2 of 4 stars). 2 submissions from 2 submitters: Uncertain significance (2). Last evaluated 2022-12-03.

Conditions:
Weaver syndrome (WVS). Also called: Weaver Smith syndrome; Overgrowth syndrome with accelerated skeletal maturation, unusual facies, and camptodactyly. Identifiers: Orphanet 3447, MedGen C0265210, MONDO:0010193, OMIM 277590.

Allele frequency attached by ClinVar (database versions not stated): ExAC 0.00001.
gnomAD v4.1: 12 of 1,605,268 alleles (0.00075%); highest among the groups gnomAD compares: Non-Finnish European, 0.00085%; no homozygotes.

Submissions (2):

Labcorp Genetics (formerly Invitae), Labcorp
Classification: Uncertain significance for Weaver syndrome. Last evaluated: 2022-12-03. Review status: criteria provided, single submitter. Criteria: Invitae Variant Classification Sherloc (09022015). Collection method: clinical testing. Allele origin: germline.
Comment: In summary, the available evidence is currently insufficient to determine the role of this variant in disease. Therefore, it has been classified as a Variant of Uncertain Significance. Variants that disrupt the consensus splice site are a relatively common cause of aberrant splicing (PMID: 17576681, 9536098). Algorithms developed to predict the effect of sequence changes on RNA splicing suggest that this variant is not likely to affect RNA splicing. ClinVar contains an entry for this variant (Variation ID: 1011534). This variant has not been reported in the literature in individuals affected with EZH2-related conditions. This variant is present in population databases (rs775960927, gnomAD 0.0009%). This sequence change falls in intron 6 of the EZH2 gene. It does not directly change the encoded amino acid sequence of the EZH2 protein. It affects a nucleotide within the consensus splice site.

Breakthrough Genomics
Classification: Uncertain significance. Review status: criteria provided, single submitter. Criteria: ACMG Guidelines, 2015. Collection method: not provided. Allele origin: germline. Inheritance: Autosomal recessive inheritance. Affected: yes.

Literature cited by the submitters: PubMed 17576681 (cited by Labcorp Genetics (formerly Invitae), Labcorp); PubMed 9536098 (cited by Labcorp Genetics (formerly Invitae), Labcorp).

NM_004456.5(EZH2):c.626-3T>C

Gene: EZH2 (enhancer of zeste 2 polycomb repressive complex 2 subunit; minus strand). Cytogenetic location: 7q36.1.
Variant type: single nucleotide variant.
Coding change: c.626-3T>C on transcript NM_004456.5 (MANE Select); 3 bases into the intron before coding-DNA position 626, T replaced by C.
Molecular consequence: intron variant.
Genome position (GRCh38, 1-based): chr7:148,827,269, A>G on the plus strand (T>C on the coding strand, the complement: EZH2 is on the minus strand). VCF-style: chr7-148827269-A-G. GRCh37 (hg19) VCF-style: chr7-148524361-A-G.
Other names: c.599-3T>C (NM_001203248.2, NM_001203249.2); c.509-3T>C (NM_152998.3); c.626-3T>C (NM_001203247.2).
Identifiers: ClinVar variation 1011534 (VCV001011534.8), dbSNP rs775960927, ClinGen allele CA4548061.
Genomic context (GRCh38, chr7:148,827,269, plus strand): 5'-GAAATGGCTTCAAAAATTTTATCAGAAGGAAATTTCCGAGGTGGGCGGCTTTCTTTATCT[A>G]AACAGGAGAATATGAAAGGAAAAAAAGAATGGAAGTAAACAAGTTTTTGATCTTTCATTT-3'